The following is an entry in ClinVar:

ClinVar aggregate classification (germline): Uncertain significance (1 of 4 stars; one submission).

Conditions:
Anemia, nonspherocytic hemolytic, due to G6PD deficiency (CNSHA1). Also called: Hemolytic anemia due to G6PD deficiency; ANEMIA, CONGENITAL, NONSPHEROCYTIC HEMOLYTIC, 1; Class I glucose-6-phosphate dehydrogenase deficiency; Favism, susceptibility to. Identifiers: Orphanet 466026, MedGen C2720289, MONDO:0010480, OMIM 300908.

Allele frequency attached by ClinVar (database versions not stated): gnomAD exomes below 0.00001.
gnomAD v4.1: 1 of 1,211,558 alleles (0.000083%); highest among the groups gnomAD compares: Non-Finnish European, 0.00011%; no homozygotes.

Submission:

Labcorp Genetics (formerly Invitae), Labcorp
Classification: Uncertain significance for Anemia, nonspherocytic hemolytic, due to G6PD deficiency. Last evaluated: 2022-03-31. Review status: criteria provided, single submitter. Criteria: Invitae Variant Classification Sherloc (09022015). Collection method: clinical testing. Allele origin: germline.
Comment: This sequence change replaces histidine, which is basic and polar, with tyrosine, which is neutral and polar, at codon 27 of the G6PD protein (p.His27Tyr). This variant is not present in population databases (gnomAD no frequency). This variant has not been reported in the literature in individuals affected with G6PD-related conditions. Algorithms developed to predict the effect of missense changes on protein structure and function are either unavailable or do not agree on the potential impact of this missense change (SIFT: "Deleterious"; PolyPhen-2: "Benign"; Align-GVGD: "Class C25"). In summary, the available evidence is currently insufficient to determine the role of this variant in disease. Therefore, it has been classified as a Variant of Uncertain Significance.

NM_001360016.2(G6PD):c.79C>T (p.His27Tyr)

Genes: G6PD (glucose-6-phosphate dehydrogenase; minus strand), IKBKG (inhibitor of nuclear factor kappa B kinase regulatory subunit gamma; plus strand). Cytogenetic location: Xq28.
Variant type: single nucleotide variant.
Coding change: c.79C>T on transcript NM_001360016.2 (MANE Select); coding-DNA position 79, C replaced by T.
Protein change: p.His27Tyr; replaces histidine 27 with tyrosine.
Molecular consequence: missense variant. On other transcripts: intron variant (4).
Genome position (GRCh38, 1-based): chrX:154,546,077, G>A on the plus strand (C>T on the coding strand, the complement: G6PD is on the minus strand). VCF-style: chrX-154546077-G-A. GRCh37 (hg19) VCF-style: chrX-153774292-G-A.
Other names: c.169C>T, p.His57Tyr (NM_000402.4); c.79C>T, p.His27Tyr (NM_001042351.3); c.-16+4686G>A (NM_001377312.1, NM_001377313.1); c.189+3625G>A (NM_001099856.6); c.-16+3690G>A (NM_001321396.3); short protein forms H27Y, H57Y.
Identifiers: ClinVar variation 2119965 (VCV002119965.1), dbSNP rs2523308583, ClinGen allele CA415202168.